The following is an entry in ClinVar:

ClinVar aggregate classification (germline): Pathogenic. Review status: reviewed by expert panel (3 of 4 stars). 2 submissions from 2 submitters: Pathogenic (1). 1 of the submissions does not count toward it. Last evaluated 2019-07-07.

Conditions:
Phenylketonuria (PKU). Also called: Phenylketonuria (PKU); FOLLING DISEASE; OLIGOPHRENIA PHENYLPYRUVICA; Phenylketonurias. Identifiers: Orphanet 716, MedGen C0031485, MONDO:0009861, OMIM 261600. Disease mechanism: loss of function.

Submissions (2):

ClinGen PAH Variant Curation Expert Panel
Classification: Pathogenic for Phenylketonuria. Last evaluated: 2019-07-07. Review status: reviewed by expert panel. Criteria: ClinGen PAH ACMG Specifications v1. Collection method: curation. Allele origin: germline. Inheritance: Autosomal recessive inheritance.
Comment: The PAH:p.M1R variant is a predicted start-lost variant in the canonical transcript of PAH (ENST00000553106). There are no known alternative start codons in other transcripts. The next in-frame Met is at amino acid 180 in exon 6. There are 49 pathogenic variants in ClinVar upstream of aa 180. The p.Met1Val variant has <3% enzyme activity as compared to wild type (PMID: 9450897), confirming start loss variants lead to loss of function of the PAH enzyme without re-initiation. The variant has been previously reported in 2 unrelated probands with classic PKU, in trans with the pathogenic variant p.R408W (PMID: 10679941; PM3); BH4 deficiency was excluded (PP4_Moderate). The variant is sufficiently rare in control databases (PM2). In summary, this variant meets criteria to be classified as pathogenic for PAH. PAH-specific ACMG/AMP criteria applied: PM3, PM2, PP4_moderate, PVS1.

DeBelle Laboratory for Biochemical Genetics, MUHC/MCH RESEARCH INSTITUTE
No classification provided. Review status: no classification provided. Collection method: not provided. Allele origin: not provided. Not counted in ClinVar's aggregate classification.

Literature cited by the submitters: PubMed 10679941 (cited by ClinGen PAH Variant Curation Expert Panel).

NM_000277.3(PAH):c.2T>G (p.Met1Arg)

Gene: PAH (phenylalanine hydroxylase; minus strand). Cytogenetic location: 12q23.2.
Variant type: single nucleotide variant.
Coding change: c.2T>G on transcript NM_000277.3 (MANE Select); coding-DNA position 2, T replaced by G.
Protein change: p.Met1Arg; changes the start codon (methionine 1).
Molecular consequence: missense variant, initiator codon variant.
Genome position (GRCh38, 1-based): chr12:102,917,129, A>C on the plus strand (T>G on the coding strand, the complement: PAH is on the minus strand). VCF-style: chr12-102917129-A-C. GRCh37 (hg19) VCF-style: chr12-103310907-A-C.
Other names: c.2T>G, p.Met1Arg (NM_001354304.2); short protein forms M1R.
Identifiers: ClinVar variation 102647 (VCV000102647.3), dbSNP rs62508575, ClinGen allele CA229509.